The following is an entry in ClinVar:

NM_014229.3(SLC6A11):c.987C>T (p.Asn329=)

Gene: SLC6A11 (solute carrier family 6 member 11; plus strand). Cytogenetic location: 3p25.3.
Variant type: single nucleotide variant.
Coding change: c.987C>T on transcript NM_014229.3 (MANE Select); coding-DNA position 987, C replaced by T.
Protein change: p.Asn329=; no amino-acid change (asparagine 329 retained).
Molecular consequence: synonymous variant.
Genome position (GRCh38, 1-based): chr3:10,912,185, C>T. VCF-style: chr3-10912185-C-T. GRCh37 (hg19) VCF-style: chr3-10953870-C-T.
Identifiers: ClinVar variation 3024722 (VCV003024722.22), dbSNP rs41308275, ClinGen allele CA2254413.

ClinVar aggregate classification (germline): Benign (1 of 4 stars; one submission).

Allele frequency attached by ClinVar (database versions not stated): 1000 Genomes Project 0.00699; 1000 Genomes Project 30x 0.00703; TOPMed 0.00899; gnomAD 0.00979; ExAC 0.01052; ESP Exome Variant Server 0.01099; gnomAD exomes 0.01311.
gnomAD v4.1: 20,528 of 1,606,102 alleles (1.3%); highest among the groups gnomAD compares: Non-Finnish European, 1.4%; 179 homozygotes.

Submission:

CeGaT Center for Human Genetics Tuebingen
Classification: Benign. Last evaluated: 2025-02-01. Review status: criteria provided, single submitter. Criteria: CeGaT Center For Human Genetics Tuebingen Variant Classification Criteria Version 2. Collection method: clinical testing. Allele origin: germline. Affected: yes. Observed: 2 variant alleles.
Comment: SLC6A11: BP4, BP7, BS1, BS2